The following is an entry in ClinVar:

NM_001267550.2(TTN):c.58718C>T (p.Ala19573Val)

Genes: TTN (titin; minus strand), TTN-AS1 (TTN antisense RNA 1; plus strand). Cytogenetic location: 2q31.2.
Variant type: single nucleotide variant.
Coding change: c.58718C>T on transcript NM_001267550.2 (MANE Select); coding-DNA position 58718, C replaced by T.
Protein change: p.Ala19573Val; replaces alanine 19573 with valine.
Molecular consequence: missense variant.
Genome position (GRCh38, 1-based): chr2:178,593,582, G>A on the plus strand (C>T on the coding strand, the complement: TTN is on the minus strand). VCF-style: chr2-178593582-G-A. GRCh37 (hg19) VCF-style: chr2-179458309-G-A.
Other names: c.53795C>T, p.Ala17932Val (NM_001256850.1); c.31523C>T, p.Ala10508Val (NM_003319.4); c.51014C>T, p.Ala17005Val (NM_133378.4); c.31898C>T, p.Ala10633Val (NM_133432.3); c.32099C>T, p.Ala10700Val (NM_133437.4); short protein forms A10508V, A10633V, A10700V, A17005V, A17932V, A19573V.
Identifiers: ClinVar variation 3343225 (VCV003343225.1).
Genomic context (GRCh38, chr2:178,593,582, plus strand): 5'-TAGTTTTATCAAGCATTGAATCACTAAAAAGAAACATAATGCATACTGAAACGATCTTTG[G>A]CTTTCATTGAATCAGACACCAGAGGATCACTTATTCCATACAGATTTTCAGCATGTATCC-3'
Protein context (NP_001254479.2, residues 19563-19583): SDPLVSDSMK[Ala19573Val]KDRFRVPDAP

ClinVar aggregate classification (germline): Uncertain significance (1 of 4 stars; one submission).

Submission:

GeneDx
Classification: Uncertain significance. Last evaluated: 2023-05-04. Review status: criteria provided, single submitter. Criteria: GeneDx Variant Classification Process June 2021. Collection method: clinical testing. Allele origin: germline. Affected: yes.
Comment: Not observed at significant frequency in large population cohorts (gnomAD); Missense variant in a gene in which most reported pathogenic variants are truncating/loss of function; Has not been previously published as pathogenic or benign to our knowledge; Located in the A-band region of TTN; This variant is associated with the following publications: (PMID: 23975875)